The following is an entry in ClinVar:

NM_182643.3(DLC1):c.4067A>G (p.Tyr1356Cys)

Genes: DLC1 (DLC1 Rho GTPase activating protein; minus strand), LOC126860305 (MED14-independent group 3 enhancer GRCh37_chr8:12947375-12948574; plus strand). Cytogenetic location: 8p22.
Variant type: single nucleotide variant.
Coding change: c.4067A>G on transcript NM_182643.3 (MANE Select); coding-DNA position 4067, A replaced by G.
Protein change: p.Tyr1356Cys; replaces tyrosine 1356 with cysteine.
Molecular consequence: missense variant. On other transcripts: intron variant (2).
Genome position (GRCh38, 1-based): chr8:13,090,259, T>C on the plus strand (A>G on the coding strand, the complement: DLC1 is on the minus strand). VCF-style: chr8-13090259-T-C. GRCh37 (hg19) VCF-style: chr8-12947768-T-C.
Other names: c.2534A>G, p.Tyr845Cys (NM_001164271.2, NM_001348082.2, NM_001348083.1 and 6 more transcripts); c.2858A>G, p.Tyr953Cys (NM_001316668.2); c.4067A>G, p.Tyr1356Cys (NM_001348081.2, NM_001413124.1); c.2849A>G, p.Tyr950Cys (NM_001413130.1); c.2507A>G, p.Tyr836Cys (NM_001413131.1, NM_001413137.1); c.2993A>G, p.Tyr998Cys (NM_001413132.1); c.2756A>G, p.Tyr919Cys (NM_001413135.1, NM_001413139.1, NM_006094.5); c.2891A>G, p.Tyr964Cys (NM_001413140.1); and 2 more; short protein forms Y845C, Y998C, Y919C, Y950C, Y953C, Y1356C, Y836C, Y964C.
Identifiers: ClinVar variation 3595076 (VCV003595076.3).

ClinVar aggregate classification (germline): Conflicting classifications of pathogenicity. Review status: criteria provided, conflicting classifications (1 of 4 stars). 2 submissions from 2 submitters: Uncertain significance (1); Likely benign (1). Last evaluated 2025-06-12.

Conditions:
Colorectal cancer. Also called: Colorectal cancer, somatic; Malignant Colorectal Neoplasm. Identifiers: MedGen C0346629, MONDO:0005575, OMIM 114500.

gnomAD v4.1: 20 of 1,614,016 alleles (0.0012%); highest among the groups gnomAD compares: Middle Eastern, 0.033%; 1 homozygote.

Submissions (2):

Labcorp Genetics (formerly Invitae), Labcorp
Classification: Uncertain significance. Last evaluated: 2025-06-12. Review status: criteria provided, single submitter. Criteria: Invitae Variant Classification Sherloc (09022015). Collection method: clinical testing. Allele origin: germline.
Comment: This sequence change replaces tyrosine, which is neutral and polar, with cysteine, which is neutral and slightly polar, at codon 1356 of the DLC1 protein (p.Tyr1356Cys). This variant is present in population databases (rs191653546, gnomAD 0.01%). This variant has not been reported in the literature in individuals affected with DLC1-related conditions. ClinVar contains an entry for this variant (Variation ID: 3595076). An algorithm developed to predict the effect of missense changes on protein structure and function (PolyPhen-2) suggests that this variant is likely to be tolerated. In summary, the available evidence is currently insufficient to determine the role of this variant in disease. Therefore, it has been classified as a Variant of Uncertain Significance.

Fulgent Genetics
Classification: Likely benign for Colorectal cancer. Last evaluated: 2024-05-11. Review status: criteria provided, single submitter. Criteria: ACMG Guidelines, 2015. Collection method: clinical testing. Allele origin: germline.